The following is an entry in ClinVar:

ClinVar aggregate classification (germline): Uncertain significance (1 of 4 stars; one submission).

Conditions:
Hereditary cancer-predisposing syndrome. Also called: Neoplastic Syndromes, Hereditary; Tumor predisposition; Hereditary Cancer Syndrome; Hereditary neoplastic syndrome. Identifiers: Orphanet 140162, MedGen C0027672, MeSH D009386, MONDO:0015356.

Submission:

Ambry Genetics
Classification: Uncertain significance for Hereditary cancer-predisposing syndrome. Last evaluated: 2022-05-11. Review status: criteria provided, single submitter. Criteria: Ambry Variant Classification Scheme 2023. Collection method: clinical testing. Allele origin: germline.
Comment: The p.A278S variant (also known as c.832G>T), located in coding exon 7 of the SDHA gene, results from a G to T substitution at nucleotide position 832. The alanine at codon 278 is replaced by serine, an amino acid with similar properties. This amino acid position is conserved. In addition, the in silico prediction for this alteration is inconclusive. Since supporting evidence is limited at this time, the clinical significance of this alteration remains unclear.

NM_004168.4(SDHA):c.832G>T (p.Ala278Ser)

Gene: SDHA (succinate dehydrogenase complex flavoprotein subunit A; plus strand). Cytogenetic location: 5p15.33.
Variant type: single nucleotide variant.
Coding change: c.832G>T on transcript NM_004168.4 (MANE Select); coding-DNA position 832, G replaced by T.
Protein change: p.Ala278Ser; replaces alanine 278 with serine.
Molecular consequence: missense variant.
Genome position (GRCh38, 1-based): chr5:230,937, G>T. VCF-style: chr5-230937-G-T. GRCh37 (hg19) VCF-style: chr5-231052-G-T.
Other names: c.688G>T, p.Ala230Ser (NM_001294332.2); c.832G>T, p.Ala278Ser (NM_001330758.2); short protein forms A230S, A278S.
Identifiers: ClinVar variation 1762963 (VCV001762963.2), dbSNP rs1178613645, ClinGen allele CA359011750.
Genomic context (GRCh38, chr5:230,937, plus strand): 5'-GGCTACGGGCGCACCTACTTCAGCTGCACGTCTGCCCACACCAGCACTGGCGACGGCACG[G>T]CCATGATCACCAGGGCAGGCCTTCCTTGCCAGGACCTAGAGTTTGTTCAGTTCCACCCTA-3'
Protein context (NP_004159.2, residues 268-288): SAHTSTGDGT[Ala278Ser]MITRAGLPCQ